The following is an entry in ClinVar:

NM_005618.4(DLL1):c.1879G>A (p.Ala627Thr)

Gene: DLL1 (delta like canonical Notch ligand 1; minus strand). Cytogenetic location: 6q27.
Variant type: single nucleotide variant.
Coding change: c.1879G>A on transcript NM_005618.4 (MANE Select); coding-DNA position 1879, G replaced by A.
Protein change: p.Ala627Thr; replaces alanine 627 with threonine.
Molecular consequence: missense variant.
Genome position (GRCh38, 1-based): chr6:170,283,400, C>T on the plus strand (G>A on the coding strand, the complement: DLL1 is on the minus strand). VCF-style: chr6-170283400-C-T. GRCh37 (hg19) VCF-style: chr6-170592488-C-T.
Other names: c.1879G>A (NM_005618.3); short protein forms A627T.
Identifiers: ClinVar variation 2170464 (VCV002170464.5), dbSNP rs766516902, ClinGen allele CA4106696.

ClinVar aggregate classification (germline): Conflicting classifications of pathogenicity. Review status: criteria provided, conflicting classifications (1 of 4 stars). 2 submissions from 2 submitters: Uncertain significance (1); Likely benign (1). Last evaluated 2025-10-13.

Conditions:
Inborn genetic diseases. Identifiers: MedGen C0950123, MeSH D030342.

Allele frequency attached by ClinVar (database versions not stated): ExAC 0.00003; gnomAD exomes 0.00003; gnomAD 0.00016; TOPMed 0.00017.
gnomAD v4.1: 71 of 1,610,124 alleles (0.0044%); highest among the groups gnomAD compares: African/African-American, 0.061%; no homozygotes.

Submissions (2):

Labcorp Genetics (formerly Invitae), Labcorp
Classification: Uncertain significance. Last evaluated: 2025-10-13. Review status: criteria provided, single submitter. Criteria: Invitae Variant Classification Sherloc (09022015). Collection method: clinical testing. Allele origin: germline.
Comment: This sequence change replaces alanine, which is neutral and non-polar, with threonine, which is neutral and polar, at codon 627 of the DLL1 protein (p.Ala627Thr). This variant is present in population databases (rs766516902, gnomAD 0.04%). This variant has not been reported in the literature in individuals affected with DLL1-related conditions. ClinVar contains an entry for this variant (Variation ID: 2170464). An algorithm developed to predict the effect of missense changes on protein structure and function outputs the following: PolyPhen-2: "Benign". The threonine amino acid residue is found in multiple mammalian species, which suggests that this missense change does not adversely affect protein function. In summary, the available evidence is currently insufficient to determine the role of this variant in disease. Therefore, it has been classified as a Variant of Uncertain Significance.

Ambry Genetics
Classification: Likely benign for Inborn genetic diseases. Last evaluated: 2025-09-26. Review status: criteria provided, single submitter. Criteria: Ambry Variant Classification Scheme 2023. Collection method: clinical testing. Allele origin: germline.